The following is an entry in ClinVar:

NM_000051.4(ATM):c.6286GAA[1] (p.Glu2097del)

Genes: ATM (ATM serine/threonine kinase; plus strand), C11orf65 (chromosome 11 open reading frame 65; minus strand). Cytogenetic location: 11q22.3.
Variant type: Microsatellite.
Coding change: c.6286GAA[1] on transcript NM_000051.4 (MANE Select); one copy of the 3-base unit GAA starting at c.6286; the reference has two copies in a row; one copy, 3 bases deleted.
Protein change: p.Glu2097del; deletes glutamic acid 2097.
Molecular consequence: inframe deletion. On other transcripts: inframe indel (1), intron variant (2).
Genome position (GRCh38, 1-based): chr11:108,317,463-108,317,465, GAA deleted; deleting any 3 consecutive bases within chr11:108,317,459-108,317,465 gives the same sequence; the position shown is the placement nearest the transcript's 3' end. VCF-style (leftmost placement, unchanged base first): chr11-108317458-TAGA-T. GRCh37 (hg19) VCF-style: chr11-108188185-TAGA-T.
Other names: c.6289_6291delGAA (NM_000051.3); c.6286GAA[1], p.Glu2097del (NM_001351834.2); c.641-8390_641-8388del (NM_001330368.2); c.*39-8390_*39-8388del (NM_001351110.2); short protein forms E2097del.
Identifiers: ClinVar variation 2453932 (VCV002453932.5), dbSNP rs1438832755, ClinGen allele CA601725071.
Genomic context (GRCh38, chr11:108,317,458, plus strand): 5'-ATATTCTTTCCGTCTATTTAAAAGGATTGGATTATGAAAATAAAGACTGGTGTCCTGAAC[TAGA>T]AGAACTTCATTACCAAGCAGCATGGAGGAATATGCAGTGGGACCATTGCACTTCCGTCAG-3'

ClinVar aggregate classification (germline): Uncertain significance. Review status: criteria provided, multiple submitters, no conflicts (2 of 4 stars). 2 submissions from 2 submitters: Uncertain significance (2). Last evaluated 2025-04-07.

Conditions:
Ataxia-telangiectasia syndrome (AT). Also called: Ataxia-telangiectasia, complementation group E; Ataxia telangiectasia (A-T); LOUIS-BAR SYNDROME; Cerebello-oculocutaneous telangiectasia; Immunodeficiency with ataxia telangiectasia; Ataxia-telangiectasia, complementation group D. Identifiers: Orphanet 100, MedGen C0004135, MONDO:0008840, OMIM 208900.
Hereditary cancer-predisposing syndrome. Also called: Tumor predisposition; Hereditary Cancer Syndrome; Hereditary neoplastic syndrome; Neoplastic Syndromes, Hereditary. Identifiers: Orphanet 140162, MedGen C0027672, MeSH D009386, MONDO:0015356.

Submissions (2):

Labcorp Genetics (formerly Invitae), Labcorp
Classification: Uncertain significance for Ataxia-telangiectasia syndrome. Last evaluated: 2025-04-07. Review status: criteria provided, single submitter. Criteria: Invitae Variant Classification Sherloc (09022015). Collection method: clinical testing. Allele origin: germline.
Comment: This variant, c.6289_6291del, results in the deletion of 1 amino acid(s) of the ATM protein (p.Glu2097del), but otherwise preserves the integrity of the reading frame. This variant is present in population databases (no rsID available, gnomAD 0.003%). This variant has not been reported in the literature in individuals affected with ATM-related conditions. Experimental studies and prediction algorithms are not available or were not evaluated, and the functional significance of this variant is currently unknown. In summary, the available evidence is currently insufficient to determine the role of this variant in disease. Therefore, it has been classified as a Variant of Uncertain Significance.

Ambry Genetics
Classification: Uncertain significance for Hereditary cancer-predisposing syndrome. Last evaluated: 2022-11-30. Review status: criteria provided, single submitter. Criteria: Ambry Variant Classification Scheme 2023. Collection method: clinical testing. Allele origin: germline.
Comment: The c.6289_6291delGAA variant (also known as p.E2097del) is located in coding exon 42 of the ATM gene. This variant results from an in-frame GAA deletion at nucleotide positions 6289 to 6291. This results in the in-frame deletion of a glutamic acid at codon 2097. This amino acid position is highly conserved in available vertebrate species. In addition, this alteration is predicted to be deleterious by in silico analysis (Choi Y et al. PLoS ONE. 2012; 7(10):e46688). Since supporting evidence is limited at this time, the clinical significance of this alteration remains unclear.